The following is an entry in ClinVar:

NM_006445.4(PRPF8):c.6968G>A (p.Gly2323Glu)

Gene: PRPF8 (pre-mRNA processing factor 8; minus strand). Cytogenetic location: 17p13.3.
Variant type: single nucleotide variant.
Coding change: c.6968G>A on transcript NM_006445.4 (MANE Select); coding-DNA position 6968, G replaced by A.
Protein change: p.Gly2323Glu; replaces glycine 2323 with glutamic acid.
Molecular consequence: missense variant.
Genome position (GRCh38, 1-based): chr17:1,650,842, C>T on the plus strand (G>A on the coding strand, the complement: PRPF8 is on the minus strand). VCF-style: chr17-1650842-C-T. GRCh37 (hg19) VCF-style: chr17-1554136-C-T.
Other names: short protein forms G2323E.
Identifiers: ClinVar variation 1314278 (VCV001314278.2), dbSNP rs2151108937, ClinGen allele CA397561815.

ClinVar aggregate classification (germline): Uncertain significance (1 of 4 stars; one submission).

gnomAD v4.1: 1 of 1,614,154 alleles (0.000062%); highest among the groups gnomAD compares: African/African-American, 0.0013%; no homozygotes.

Submission:

GeneDx
Classification: Uncertain significance. Last evaluated: 2021-04-05. Review status: criteria provided, single submitter. Criteria: GeneDx Variant Classification Process June 2021. Collection method: clinical testing. Allele origin: germline. Affected: yes.
Comment: Not observed in large population cohorts (Lek et al., 2016); In silico analysis supports that this missense variant does not alter protein structure/function; Has not been previously published as pathogenic or benign to our knowledge